The following is an entry in ClinVar:

ClinVar aggregate classification (germline): Uncertain significance (1 of 4 stars; one submission).

gnomAD v4.1: 31 of 1,614,052 alleles (0.0019%); highest among the groups gnomAD compares: Admixed American, 0.0033%; no homozygotes.

Submission:

Labcorp Genetics (formerly Invitae), Labcorp
Classification: Uncertain significance. Last evaluated: 2024-03-03. Review status: criteria provided, single submitter. Criteria: Invitae Variant Classification Sherloc (09022015). Collection method: clinical testing. Allele origin: germline.
Comment: This sequence change replaces serine, which is neutral and polar, with leucine, which is neutral and non-polar, at codon 32 of the MME protein (p.Ser32Leu). This variant is present in population databases (rs202120543, gnomAD 0.006%). This variant has not been reported in the literature in individuals affected with MME-related conditions. An algorithm developed to predict the effect of missense changes on protein structure and function (PolyPhen-2) suggests that this variant is likely to be tolerated. In summary, the available evidence is currently insufficient to determine the role of this variant in disease. Therefore, it has been classified as a Variant of Uncertain Significance.

NM_007289.4(MME):c.95C>T (p.Ser32Leu)

Gene: MME (membrane metalloendopeptidase; plus strand). Cytogenetic location: 3q25.2.
Variant type: single nucleotide variant.
Coding change: c.95C>T on transcript NM_007289.4 (MANE Select); coding-DNA position 95, C replaced by T.
Protein change: p.Ser32Leu; replaces serine 32 with leucine.
Molecular consequence: missense variant.
Genome position (GRCh38, 1-based): chr3:155,084,262, C>T. VCF-style: chr3-155084262-C-T. GRCh37 (hg19) VCF-style: chr3-154802051-C-T.
Other names: c.95C>T, p.Ser32Leu (NM_001354644.1, NM_007287.4, NM_007288.3 and 3 more transcripts); short protein forms S32L.
Identifiers: ClinVar variation 3715167 (VCV003715167.2).